The following is an entry in ClinVar:

ClinVar aggregate classification (germline): Uncertain significance. Review status: criteria provided, multiple submitters, no conflicts (2 of 4 stars). 2 submissions from 2 submitters: Uncertain significance (2). Last evaluated 2025-05-21.

Conditions:
Hereditary pancreatitis (PCTT). Also called: Hereditary chronic pancreatitis; PRSS1-Related Hereditary Pancreatitis. Identifiers: Orphanet 676, MedGen C0238339, MONDO:0008185, OMIM 167800.

Allele frequency attached by ClinVar (database versions not stated): gnomAD exomes below 0.00001; ExAC 0.00002.
gnomAD v4.1: 6 of 1,614,098 alleles (0.00037%); highest among the groups gnomAD compares: Admixed American, 0.0017%; no homozygotes.

Submissions (2):

ARUP Laboratories, Molecular Genetics and Genomics, ARUP Laboratories
Classification: Uncertain significance. Last evaluated: 2025-05-21. Review status: criteria provided, single submitter. Criteria: ARUP Molecular Germline Variant Investigation Process 2024. Collection method: clinical testing. Allele origin: germline.
Comment: The SPINK1 c.218T>C; p.Ile73Thr variant (rs200263045), to our knowledge, is not reported in the medical literature but is reported in ClinVar (Variation ID: 1787403). This variant is only observed on two alleles in the Genome Aggregation Database (v2.1.1), indicating it is not a common polymorphism. Computational analyses are uncertain whether this variant is neutral or deleterious (REVEL: 0.592). Due to limited information, the clinical significance of this variant is uncertain at this time.

Ambry Genetics
Classification: Uncertain significance for Hereditary pancreatitis. Last evaluated: 2023-09-29. Review status: criteria provided, single submitter. Criteria: Ambry Variant Classification Scheme 2023. Collection method: clinical testing. Allele origin: germline.
Comment: The p.I73T variant (also known as c.218T>C), located in coding exon 4 of the SPINK1 gene, results from a T to C substitution at nucleotide position 218. The isoleucine at codon 73 is replaced by threonine, an amino acid with similar properties. This amino acid position is conserved. In addition, the in silico prediction for this alteration is inconclusive. Since supporting evidence is limited at this time, the clinical significance of this alteration remains unclear.

NM_001379610.1(SPINK1):c.218T>C (p.Ile73Thr)

Gene: SPINK1 (serine peptidase inhibitor Kazal type 1; minus strand). Cytogenetic location: 5q32.
Variant type: single nucleotide variant.
Coding change: c.218T>C on transcript NM_001379610.1 (MANE Select); coding-DNA position 218, T replaced by C.
Protein change: p.Ile73Thr; replaces isoleucine 73 with threonine.
Molecular consequence: missense variant.
Genome position (GRCh38, 1-based): chr5:147,824,683, A>G on the plus strand (T>C on the coding strand, the complement: SPINK1 is on the minus strand). VCF-style: chr5-147824683-A-G. GRCh37 (hg19) VCF-style: chr5-147204246-A-G.
Other names: c.218T>C, p.Ile73Thr (NM_001354966.2, NM_003122.5); short protein forms I73T.
Identifiers: ClinVar variation 1787403 (VCV001787403.3), dbSNP rs200263045, ClinGen allele CA3494747.